The following is an entry in ClinVar:

NM_004473.4(FOXE1):c.560C>T (p.Ala187Val)

Gene: FOXE1 (forkhead box E1; plus strand). Cytogenetic location: 9q22.33.
Variant type: single nucleotide variant.
Coding change: c.560C>T on transcript NM_004473.4 (MANE Select); coding-DNA position 560, C replaced by T.
Protein change: p.Ala187Val; replaces alanine 187 with valine.
Molecular consequence: missense variant.
Genome position (GRCh38, 1-based): chr9:97,854,474, C>T. VCF-style: chr9-97854474-C-T. GRCh37 (hg19) VCF-style: chr9-100616756-C-T.
Other names: short protein forms A187V.
Identifiers: ClinVar variation 4985879 (VCV004985879.1).

ClinVar aggregate classification (germline): Uncertain significance (1 of 4 stars; one submission).

Conditions:
FOXE1-related disorder. Also called: FOXE1-related condition.

gnomAD v4.1: 1 of 1,231,018 alleles (0.000081%); highest among the groups gnomAD compares: East Asian, 0.0033%; no homozygotes.

Submission:

PreventionGenetics, part of Exact Sciences
Classification: Uncertain significance for FOXE1-related condition. Last evaluated: 2025-10-20. Review status: criteria provided, single submitter. Criteria: ACMG Guidelines, 2015. Collection method: clinical testing. Allele origin: germline.
Comment: The FOXE1 c.560C>T variant is predicted to result in the amino acid substitution p.Ala187Val. To our knowledge, this variant has not been reported in the literature or in a large population database (gnomAD), indicating this variant is rare. At this time, the clinical significance of this variant is uncertain due to the absence of conclusive functional and genetic evidence.